The following is an entry in ClinVar:

NM_018834.6(MATR3):c.1861T>G (p.Ser621Ala)

Genes: MATR3 (matrin 3; plus strand), LOC126807526 (CDK7 strongly-dependent group 2 enhancer GRCh37_chr5:138657767-138658966; plus strand). Cytogenetic location: 5q31.2.
Variant type: single nucleotide variant.
Coding change: c.1861T>G on transcript NM_018834.6 (MANE Select); coding-DNA position 1861, T replaced by G.
Protein change: p.Ser621Ala; replaces serine 621 with alanine.
Molecular consequence: missense variant.
Genome position (GRCh38, 1-based): chr5:139,322,680, T>G. VCF-style: chr5-139322680-T-G. GRCh37 (hg19) VCF-style: chr5-138658369-T-G.
Other names: c.1861T>G, p.Ser621Ala (NM_001194954.2, NM_001194955.2, NM_001400441.1 and 16 more transcripts); c.997T>G, p.Ser333Ala (NM_001194956.2); c.847T>G, p.Ser283Ala (NM_001282278.2, NM_001400460.1, NM_001400462.1 and 5 more transcripts); c.1000T>G, p.Ser334Ala (NM_001400459.1); c.961T>G, p.Ser321Ala (NM_001400461.1); c.1861T>G (NM_199189.2); short protein forms S283A, S321A, S621A, S333A, S334A.
Identifiers: ClinVar variation 2047424 (VCV002047424.5), dbSNP rs376261978, ClinGen allele CA3433259.

ClinVar aggregate classification (germline): Uncertain significance. Review status: criteria provided, multiple submitters, no conflicts (2 of 4 stars). 2 submissions from 2 submitters: Uncertain significance (2). Last evaluated 2025-02-13.

Conditions:
Inborn genetic diseases. Identifiers: MedGen C0950123, MeSH D030342.
Amyotrophic lateral sclerosis type 21. Also called: VOCAL CORD AND PHARYNGEAL DYSFUNCTION WITH DISTAL MYOPATHY; MYOPATHY, DISTAL, 2. Identifiers: Orphanet 600, Orphanet 803, MedGen C3807521, MONDO:0011632, OMIM 606070.

Allele frequency attached by ClinVar (database versions not stated): ExAC 0.00001; gnomAD 0.00001; TOPMed 0.00001; ESP Exome Variant Server 0.00008.
gnomAD v4.1: 1 of 1,614,040 alleles (0.000062%); highest among the groups gnomAD compares: Non-Finnish European, 0.000085%; no homozygotes.

Submissions (2):

Ambry Genetics
Classification: Uncertain significance for Inborn genetic diseases. Last evaluated: 2025-02-13. Review status: criteria provided, single submitter. Criteria: Ambry Variant Classification Scheme 2023. Collection method: clinical testing. Allele origin: germline.

Labcorp Genetics (formerly Invitae), Labcorp
Classification: Uncertain significance for Amyotrophic lateral sclerosis type 21. Last evaluated: 2022-10-08. Review status: criteria provided, single submitter. Criteria: Invitae Variant Classification Sherloc (09022015). Collection method: clinical testing. Allele origin: germline.
Comment: In summary, the available evidence is currently insufficient to determine the role of this variant in disease. Therefore, it has been classified as a Variant of Uncertain Significance. Advanced modeling of protein sequence and biophysical properties (such as structural, functional, and spatial information, amino acid conservation, physicochemical variation, residue mobility, and thermodynamic stability) performed at Invitae indicates that this missense variant is not expected to disrupt MATR3 protein function. This variant has not been reported in the literature in individuals affected with MATR3-related conditions. This variant is present in population databases (rs376261978, gnomAD 0.0009%). This sequence change replaces serine, which is neutral and polar, with alanine, which is neutral and non-polar, at codon 621 of the MATR3 protein (p.Ser621Ala).